The following is an entry in ClinVar:

NM_032444.4(SLX4):c.59del (p.Leu20fs)

Gene: SLX4 (SLX4 structure-specific endonuclease subunit; minus strand). Cytogenetic location: 16p13.3.
Variant type: Deletion.
Coding change: c.59del on transcript NM_032444.4 (MANE Select); coding-DNA position 59, one base deleted (T; older notation c.59delT).
Protein change: p.Leu20fs; shifts the reading frame from leucine 20.
Molecular consequence: frameshift variant.
Genome position (GRCh38, 1-based): chr16:3,608,906, A deleted on the plus strand (T on the coding strand, the reverse complement: SLX4 is on the minus strand). VCF-style (leftmost placement, unchanged base first): chr16-3608905-CA-C. GRCh37 (hg19) VCF-style: chr16-3658906-CA-C.
Other names: c.59del (LRG_503t1, NM_032444.2); c.59delT (NM_032444.2); short protein forms L20fs.
Identifiers: ClinVar variation 526372 (VCV000526372.7), dbSNP rs1315905872, ClinGen allele CA658798535.
Genomic context (GRCh38, chr16:3,608,905, plus strand): 5'-AGTTTTAAGGCTTTCAGGCTGGTCTTCAGAGGAGCGAGGGTCAATCCCAGGACAGGCAGA[CA>C]GATGAGAAAGTGAACCCAAGTAGAAGCCTAGCTGAGCCTCATTCACACTCAGTTTCATTA-3'

ClinVar aggregate classification (germline): Pathogenic/Likely pathogenic. Review status: criteria provided, multiple submitters, no conflicts (2 of 4 stars). 2 submissions from 2 submitters: Pathogenic (1); Likely pathogenic (1). Last evaluated 2025-03-18.

Conditions:
Fanconi anemia (FA). Also called: Fanconi's anemia. Identifiers: Orphanet 84, MedGen C0015625, MeSH D005199, MONDO:0019391.

Allele frequency attached by ClinVar (database versions not stated): gnomAD exomes 0.00001; TOPMed 0.00001.

Submissions (2):

GeneDx
Classification: Likely pathogenic. Last evaluated: 2025-03-18. Review status: criteria provided, single submitter. Criteria: GeneDx Variant Classification Process June 2021. Collection method: clinical testing. Allele origin: germline. Affected: yes.
Comment: Reported as a single heterozygous variant in a patient with leukemia and in a patient with malignant pleural mesothelioma (PMID: 34308104, 35032816); Frameshift variant predicted to result in protein truncation or nonsense mediated decay in a gene for which loss of function is a known mechanism of disease; Not observed at significant frequency in large population cohorts (gnomAD); This variant is associated with the following publications: (PMID: 34308104, 37316882, 35032816)

Labcorp Genetics (formerly Invitae), Labcorp
Classification: Pathogenic for Fanconi anemia. Last evaluated: 2024-10-21. Review status: criteria provided, single submitter. Criteria: Invitae Variant Classification Sherloc (09022015). Collection method: clinical testing. Allele origin: germline.
Comment: This sequence change creates a premature translational stop signal (p.Leu20Argfs*24) in the SLX4 gene. It is expected to result in an absent or disrupted protein product. Loss-of-function variants in SLX4 are known to be pathogenic (PMID: 21240277). This variant is not present in population databases (gnomAD no frequency). This variant has not been reported in the literature in individuals affected with SLX4-related conditions. ClinVar contains an entry for this variant (Variation ID: 526372). For these reasons, this variant has been classified as Pathogenic.

Literature cited by the submitters: PubMed 21240277 (cited by Labcorp Genetics (formerly Invitae), Labcorp).